The following is an entry in ClinVar:

ClinVar aggregate classification (germline): Uncertain significance. Review status: criteria provided, multiple submitters, no conflicts (2 of 4 stars). 3 submissions from 3 submitters: Uncertain significance (2). 1 of the submissions does not count toward it. Last evaluated 2025-03-01.

Conditions:
Primary ciliary dyskinesia. Also called: Ciliary dyskinesia. Identifiers: Orphanet 244, MedGen C0008780, MONDO:0016575, HP:0012265.

Allele frequency attached by ClinVar (database versions not stated): TOPMed 0.00001.
gnomAD v4.1: 9 of 1,549,318 alleles (0.00058%); highest among the groups gnomAD compares: Non-Finnish European, 0.00079%; no homozygotes.

Submissions (3):

Ambry Genetics
Classification: Uncertain significance for Primary ciliary dyskinesia. Last evaluated: 2025-03-01. Review status: criteria provided, single submitter. Criteria: Ambry Variant Classification Scheme 2023. Collection method: clinical testing. Allele origin: germline.
Comment: The p.R2511G variant (also known as c.7531C>G), located in coding exon 45 of the DNAH5 gene, results from a C to G substitution at nucleotide position 7531. The arginine at codon 2511 is replaced by glycine, an amino acid with dissimilar properties. This amino acid position is conserved. In addition, this alteration is predicted to be tolerated by in silico analysis. Based on the available evidence, the clinical significance of this variant remains unclear.

Labcorp Genetics (formerly Invitae), Labcorp
Classification: Uncertain significance for Primary ciliary dyskinesia. Last evaluated: 2021-08-25. Review status: criteria provided, single submitter. Criteria: Invitae Variant Classification Sherloc (09022015). Collection method: clinical testing. Allele origin: germline.
Comment: This sequence change replaces arginine with glycine at codon 2511 of the DNAH5 protein (p.Arg2511Gly). The arginine residue is moderately conserved and there is a moderate physicochemical difference between arginine and glycine. The frequency data for this variant in the population databases is considered unreliable, as metrics indicate insufficient coverage at this position in the ExAC database. This variant has not been reported in the literature in individuals affected with DNAH5-related conditions. Algorithms developed to predict the effect of missense changes on protein structure and function (SIFT, PolyPhen-2, Align-GVGD) all suggest that this variant is likely to be tolerated. In summary, the available evidence is currently insufficient to determine the role of this variant in disease. Therefore, it has been classified as a Variant of Uncertain Significance.

Natera, Inc.
Classification: Uncertain significance for Primary ciliary dyskinesia. Last evaluated: 2020-02-26. Review status: no assertion criteria provided. Collection method: clinical testing. Allele origin: germline. Not counted in ClinVar's aggregate classification.

NM_001369.3(DNAH5):c.7531C>G (p.Arg2511Gly)

Gene: DNAH5 (dynein axonemal heavy chain 5; minus strand). Cytogenetic location: 5p15.2.
Variant type: single nucleotide variant.
Coding change: c.7531C>G on transcript NM_001369.3 (MANE Select); coding-DNA position 7531, C replaced by G.
Protein change: p.Arg2511Gly; replaces arginine 2511 with glycine.
Molecular consequence: missense variant.
Genome position (GRCh38, 1-based): chr5:13,810,137, G>C on the plus strand (C>G on the coding strand, the complement: DNAH5 is on the minus strand). VCF-style: chr5-13810137-G-C. GRCh37 (hg19) VCF-style: chr5-13810246-G-C.
Other names: short protein forms R2511G.
Identifiers: ClinVar variation 848401 (VCV000848401.8), dbSNP rs564040169, ClinGen allele CA359231856.